The following is an entry in ClinVar:

NM_024675.4(PALB2):c.2712G>A (p.Trp904Ter)

Gene: PALB2 (partner and localizer of BRCA2; minus strand). Cytogenetic location: 16p12.2.
Variant type: single nucleotide variant.
Coding change: c.2712G>A on transcript NM_024675.4 (MANE Select); coding-DNA position 2712, G replaced by A.
Protein change: p.Trp904Ter; replaces tryptophan 904 with a stop codon.
Molecular consequence: nonsense.
Genome position (GRCh38, 1-based): chr16:23,626,272, C>T on the plus strand (G>A on the coding strand, the complement: PALB2 is on the minus strand). VCF-style: chr16-23626272-C-T. GRCh37 (hg19) VCF-style: chr16-23637593-C-T.
Other names: short protein forms W904*.
Identifiers: ClinVar variation 141053 (VCV000141053.26), dbSNP rs587781457, ClinGen allele CA164329.

ClinVar aggregate classification (germline): Pathogenic/Likely pathogenic. Review status: criteria provided, multiple submitters, no conflicts (2 of 4 stars). 6 submissions from 6 submitters: Pathogenic (5); Likely pathogenic (1). Last evaluated 2026-01-14.

Conditions:
Hereditary cancer-predisposing syndrome. Also called: Neoplastic Syndromes, Hereditary; Tumor predisposition; Hereditary Cancer Syndrome; Hereditary neoplastic syndrome. Identifiers: Orphanet 140162, MedGen C0027672, MeSH D009386, MONDO:0015356.
Familial cancer of breast. Also called: BREAST CANCER, FAMILIAL; Hereditary breast cancer; hereditary breast carcinoma. Identifiers: Orphanet 227535, MedGen C0346153, MONDO:0016419, OMIM 114480. Disease mechanism: loss of function.

Submissions (6):

Labcorp Genetics (formerly Invitae), Labcorp
Classification: Pathogenic for Familial cancer of breast. Last evaluated: 2026-01-14. Review status: criteria provided, single submitter. Criteria: Invitae Variant Classification Sherloc (09022015). Collection method: clinical testing. Allele origin: germline.
Comment: This sequence change creates a premature translational stop signal (p.Trp904*) in the PALB2 gene. It is expected to result in an absent or disrupted protein product. Loss-of-function variants in PALB2 are known to be pathogenic (PMID: 17200668, 17200671, 17200672, 24136930, 25099575). This variant is not present in population databases (gnomAD no frequency). This variant has not been reported in the literature in individuals affected with PALB2-related conditions. ClinVar contains an entry for this variant (Variation ID: 141053). Algorithms developed to predict the effect of sequence changes on RNA splicing suggest that this variant may disrupt the consensus splice site. For these reasons, this variant has been classified as Pathogenic.

GeneDx
Classification: Pathogenic. Last evaluated: 2025-10-01. Review status: criteria provided, single submitter. Criteria: GeneDx Variant Classification Process June 2021. Collection method: clinical testing. Allele origin: germline. Affected: yes.
Comment: Nonsense variant predicted to result in protein truncation or nonsense mediated decay in a gene for which loss of function is a known mechanism of disease; Truncating variants in this gene are considered pathogenic by a well-established clinical consortium and/or database; Not observed at significant frequency in large population cohorts (gnomAD); This variant is associated with the following publications: (PMID: 31602316, 28152038, 34326862)

Ambry Genetics
Classification: Pathogenic for Hereditary cancer-predisposing syndrome. Last evaluated: 2025-01-07. Review status: criteria provided, single submitter. Criteria: Ambry Variant Classification Scheme 2023. Collection method: clinical testing. Allele origin: germline.
Comment: The p.W904* pathogenic mutation (also known as c.2712G>A), located in coding exon 7 of the PALB2 gene, results from a G to A substitution at nucleotide position 2712. This changes the amino acid from a tryptophan to a stop codon within coding exon 7. This alteration is expected to result in loss of function by premature protein truncation or nonsense-mediated mRNA decay. As such, this alteration is interpreted as a disease-causing mutation.

Myriad Genetics, Inc.
Classification: Pathogenic for Familial cancer of breast. Last evaluated: 2023-09-13. Review status: criteria provided, single submitter. Criteria: Myriad Autosomal Dominant, Autosomal Recessive and X-Linked Classification Criteria (2023). Collection method: clinical testing. Allele origin: unknown.
Comment: This variant is considered pathogenic. This variant creates a termination codon and is predicted to result in premature protein truncation.

Baylor Genetics
Classification: Likely pathogenic for Familial cancer of breast. Last evaluated: 2021-04-28. Review status: criteria provided, single submitter. Criteria: ACMG Guidelines, 2015. Collection method: clinical testing. Allele origin: unknown.

Color Diagnostics, LLC DBA Color Health
Classification: Pathogenic for Hereditary cancer-predisposing syndrome. Last evaluated: 2020-01-15. Review status: criteria provided, single submitter. Criteria: ACMG Guidelines, 2015. Collection method: clinical testing. Allele origin: germline.
Comment: This variant changes 1 nucleotide in exon 7 of the PALB2 gene, creating a premature translation stop signal. This variant is expected to result in an absent or non-functional protein product. This variant has not been identified in the general population by the Genome Aggregation Database (gnomAD). Loss of PALB2 function is a known mechanism of disease. Based on the available evidence, this variant is classified as Pathogenic.

Literature cited by the submitters: PubMed 17200668 (cited by Labcorp Genetics (formerly Invitae), Labcorp); PubMed 17200671 (cited by Labcorp Genetics (formerly Invitae), Labcorp); PubMed 17200672 (cited by Labcorp Genetics (formerly Invitae), Labcorp); PubMed 24136930 (cited by Labcorp Genetics (formerly Invitae), Labcorp); PubMed 25099575 (cited by Labcorp Genetics (formerly Invitae), Labcorp).